The following is an entry in ClinVar:

ClinVar aggregate classification (germline): Uncertain significance (1 of 4 stars; one submission).

Conditions:
Cardiovascular phenotype. Identifiers: MedGen CN230736.

gnomAD v4.1: 8 of 1,612,496 alleles (0.0005%); highest among the groups gnomAD compares: African/African-American, 0.004%; no homozygotes.

Submission:

Ambry Genetics
Classification: Uncertain significance for Cardiovascular phenotype. Last evaluated: 2026-06-20. Review status: criteria provided, single submitter. Criteria: Ambry Variant Classification Scheme 2023. Collection method: clinical testing. Allele origin: germline.
Comment: The p.Y3228C variant (also known as c.9683A>G), located in coding exon 27 of the TNXB gene, results from an A to G substitution at nucleotide position 9683. The tyrosine at codon 3228 is replaced by cysteine, an amino acid with highly dissimilar properties. This amino acid position is conserved. In addition, this alteration is predicted to be deleterious by in silico analysis. Based on the available evidence, the clinical significance of this variant remains unclear.

NM_001365276.2(TNXB):c.9689A>G (p.Tyr3230Cys)

Gene: TNXB (tenascin XB; minus strand). Cytogenetic location: 6p21.33.
Variant type: single nucleotide variant.
Coding change: c.9689A>G on transcript NM_001365276.2 (MANE Select); coding-DNA position 9689, A replaced by G.
Protein change: p.Tyr3230Cys; replaces tyrosine 3230 with cysteine.
Molecular consequence: missense variant.
Genome position (GRCh38, 1-based): chr6:32,049,338, T>C on the plus strand (A>G on the coding strand, the complement: TNXB is on the minus strand). VCF-style: chr6-32049338-T-C. GRCh37 (hg19) VCF-style: chr6-32017115-T-C.
Other names: c.10430A>G, p.Tyr3477Cys (NM_001428335.1); c.9683A>G, p.Tyr3228Cys (NM_019105.8); short protein forms Y3477C, Y3228C, Y3230C.
Identifiers: ClinVar variation 4188790 (VCV004188790.2).
Genomic context (GRCh38, chr6:32,049,338, plus strand): 5'-CCCACGGTGGACACTGGGCCCACGCGCTGCCCCTCGTGGAGGCCGTACAGATGCATCTTG[T>C]ATTTGCGCCCGGGCTCCAGGCCCCCCACGGTGACCTCGCTCTCCTCGCCCCTGACACGCA-3'
Protein context (NP_001352205.1, residues 3220-3240): TVGGLEPGRK[Tyr3230Cys]KMHLYGLHEG